The following is an entry in ClinVar:

ClinVar aggregate classification (germline): Uncertain significance (1 of 4 stars; one submission).

Submission:

GeneDx
Classification: Uncertain significance. Last evaluated: 2024-08-22. Review status: criteria provided, single submitter. Criteria: GeneDx Variant Classification Process June 2021. Collection method: clinical testing. Allele origin: germline. Affected: yes.
Comment: Not observed at significant frequency in large population cohorts (gnomAD); In-frame insertion of 2 amino acids in a non-repeat region; Has not been previously published as pathogenic or benign to our knowledge

NM_000088.4(COL1A1):c.283_288dup (p.Pro96_Asp97insCysPro)

Gene: COL1A1 (collagen type I alpha 1 chain; minus strand). Cytogenetic location: 17q21.33.
Variant type: Duplication.
Coding change: c.283_288dup on transcript NM_000088.4 (MANE Select); coding-DNA positions 283 to 288, 6 bases duplicated (TGCCCC; older notation c.283_288dupTGCCCC).
Protein change: p.Pro96_Asp97insCysPro.
Molecular consequence: inframe indel (on NM_000088.3).
Genome position (GRCh38, 1-based): chr17:50,199,763-50,199,768, GGGGCA duplicated on the plus strand (TGCCCC on the coding strand, the reverse complement: COL1A1 is on the minus strand); duplicating any 6 consecutive bases within chr17:50,199,763-50,199,769 gives the same sequence; the c. name uses the placement nearest the transcript's 3' end. VCF-style (leftmost placement, unchanged base first): chr17-50199762-C-CGGGGCA. GRCh37 (hg19) VCF-style: chr17-48277123-C-CGGGGCA.
Other names: c.283_288dup (NM_000088.3).
Identifiers: ClinVar variation 3764410 (VCV003764410.1).